The following is an entry in ClinVar:

NM_003722.5(TP63):c.1652+14A>C

Gene: TP63 (tumor protein p63; plus strand). Cytogenetic location: 3q28.
Variant type: single nucleotide variant.
Coding change: c.1652+14A>C on transcript NM_003722.5 (MANE Select); 14 bases into the intron after coding-DNA position 1652, A replaced by C.
Molecular consequence: intron variant.
Genome position (GRCh38, 1-based): chr3:189,889,498, A>C. VCF-style: chr3-189889498-A-C. GRCh37 (hg19) VCF-style: chr3-189607287-A-C.
Other names: c.1646+14A>C (NM_001329964.2); c.1652+14A>C (NM_001114978.2); c.1507+2947A>C (NM_001329144.2); c.1640+14A>C (NM_001329148.2); c.1370+14A>C (NM_001114980.2, NM_001114981.2); c.1225+2947A>C (NM_001329145.2); c.1213+2947A>C (NM_001329149.2); c.1115+14A>C (NM_001329146.2); and 1 more.
Identifiers: ClinVar variation 344389 (VCV000344389.16), dbSNP rs150685395, ClinGen allele CA2752537.
Genomic context (GRCh38, chr3:189,889,498, plus strand): 5'-CACTGCACACCCCCACCTCCGTATCCCACAGATTGCAGCATTGTCAGGTGAGTCCACAGC[A>C]TGTGCCCCTGGGGGCCTGCCCTAAGCATCCCGGGATGGTGGAGGGCGGATACTGTTATAG-3'

ClinVar aggregate classification (germline): Benign/Likely benign. Review status: criteria provided, multiple submitters, no conflicts (2 of 4 stars). 7 submissions from 5 submitters: Benign (3); Likely benign (2). 2 of the submissions do not count toward it. Last evaluated 2025-02-03.

Conditions:
TP63-Related Spectrum Disorders.
Ectrodactyly, ectodermal dysplasia, and cleft lip-palate syndrome 3. Also called: Ectrodactyly, Ectodermal Dysplasia, Clefting Syndrome; EEC SYNDROME 3; Ectrodactyly, Ectodermal Dysplasia, Clefting Syndrome Type 3 (EEC3); Ectrodactyly, Ectodermal Dysplasia, Cleft Lip/Palate Syndrome 3 (EEC3). Identifiers: Orphanet 1896, MedGen C1858562, MONDO:0011428, OMIM 604292.
Orofacial cleft 8. Also called: Cleft lip with or without cleft palate, nonsyndromic, 8. Identifiers: MedGen C1851878, MONDO:0029145, OMIM 618149.

Allele frequency attached by ClinVar (database versions not stated): 1000 Genomes Project 30x 0.00359; 1000 Genomes Project 0.00399; TOPMed 0.00817; ESP Exome Variant Server 0.01099; gnomAD 0.01134 and 0.01158; gnomAD exomes 0.01142; ExAC 0.01181.
gnomAD v4.1: 22,017 of 1,614,112 alleles (1.4%); highest among the groups gnomAD compares: Non-Finnish European, 1.5%; 202 homozygotes.

Submissions (7):

Labcorp Genetics (formerly Invitae), Labcorp
Classification: Benign. Last evaluated: 2025-02-03. Review status: criteria provided, single submitter. Criteria: Invitae Variant Classification Sherloc (09022015). Collection method: clinical testing. Allele origin: germline.

Blueprint Genetics
Classification: Likely benign. Last evaluated: 2024-11-26. Review status: criteria provided, single submitter. Criteria: ACMG Guidelines, 2015. Collection method: clinical testing. Allele origin: germline.

Illumina Laboratory Services, Illumina
Classification: Likely benign for Orofacial cleft 8. Last evaluated: 2018-01-12. Review status: criteria provided, single submitter. Criteria: ICSL Variant Classification Criteria 13 December 2019. Collection method: clinical testing. Allele origin: germline.
Comment: This variant was observed in the ICSL laboratory as part of a predisposition screen in an ostensibly healthy population. It had not been previously curated by ICSL or reported in the Human Gene Mutation Database (HGMD: prior to June 1st, 2018), and was therefore a candidate for classification through an automated scoring system. Utilizing variant allele frequency, disease prevalence and penetrance estimates, and inheritance mode, an automated score was calculated to assess if this variant is too frequent to cause the disease. Based on the score and internal cut-off values, a variant classified as likely benign is not then subjected to further curation. The score for this variant resulted in a classification of likely benign for this disease.

Illumina Laboratory Services, Illumina
Classification: Benign for TP63-Related Spectrum Disorders. Last evaluated: 2018-01-12. Review status: criteria provided, single submitter. Criteria: ICSL Variant Classification Criteria 13 December 2019. Collection method: clinical testing. Allele origin: germline.
Comment: This variant was observed in the ICSL laboratory as part of a predisposition screen in an ostensibly healthy population. It had not been previously curated by ICSL or reported in the Human Gene Mutation Database (HGMD: prior to June 1st, 2018), and was therefore a candidate for classification through an automated scoring system. Utilizing variant allele frequency, disease prevalence and penetrance estimates, and inheritance mode, an automated score was calculated to assess if this variant is too frequent to cause the disease. Based on the score and internal cut-off values, a variant classified as benign is not then subjected to further curation. The score for this variant resulted in a classification of benign for this disease.

Illumina Laboratory Services, Illumina
Classification: Benign for Ectrodactyly, ectodermal dysplasia, and cleft lip-palate syndrome 3. Last evaluated: 2018-01-12. Review status: criteria provided, single submitter. Criteria: ICSL Variant Classification Criteria 13 December 2019. Collection method: clinical testing. Allele origin: germline.
Comment: the same text as in the submission from Illumina Laboratory Services, Illumina above.

Genome Diagnostics Laboratory, University Medical Center Utrecht
Classification: Likely benign. Review status: no assertion criteria provided. Collection method: clinical testing. Allele origin: germline. Affected: yes. Study: VKGL Data-share Consensus. Not counted in ClinVar's aggregate classification.

Joint Genome Diagnostic Labs from Nijmegen and Maastricht, Radboudumc and MUMC+
Classification: Benign. Review status: no assertion criteria provided. Collection method: clinical testing. Allele origin: germline. Affected: yes. Study: VKGL Data-share Consensus. Not counted in ClinVar's aggregate classification.